The following is an entry in ClinVar:

ClinVar aggregate classification (germline): Uncertain significance (1 of 4 stars; one submission).

gnomAD v4.1: 1 of 1,614,128 alleles (0.000062%); highest among the groups gnomAD compares: Admixed American, 0.0017%; no homozygotes.

Submission:

Labcorp Genetics (formerly Invitae), Labcorp
Classification: Uncertain significance. Last evaluated: 2022-08-19. Review status: criteria provided, single submitter. Criteria: Invitae Variant Classification Sherloc (09022015). Collection method: clinical testing. Allele origin: germline.
Comment: This variant has not been reported in the literature in individuals affected with USH2A-related conditions. This variant is present in population databases (no rsID available, gnomAD 0.003%). This sequence change replaces valine, which is neutral and non-polar, with glutamic acid, which is acidic and polar, at codon 4044 of the USH2A protein (p.Val4044Glu). In summary, the available evidence is currently insufficient to determine the role of this variant in disease. Therefore, it has been classified as a Variant of Uncertain Significance. Algorithms developed to predict the effect of missense changes on protein structure and function are either unavailable or do not agree on the potential impact of this missense change (SIFT: "Deleterious"; PolyPhen-2: "Benign"; Align-GVGD: "Class C15").

NM_206933.4(USH2A):c.12131T>A (p.Val4044Glu)

Gene: USH2A (usherin; minus strand). Cytogenetic location: 1q41.
Variant type: single nucleotide variant.
Coding change: c.12131T>A on transcript NM_206933.4 (MANE Select); coding-DNA position 12131, T replaced by A.
Protein change: p.Val4044Glu; replaces valine 4044 with glutamic acid.
Molecular consequence: missense variant.
Genome position (GRCh38, 1-based): chr1:215,680,312, A>T on the plus strand (T>A on the coding strand, the complement: USH2A is on the minus strand). VCF-style: chr1-215680312-A-T. GRCh37 (hg19) VCF-style: chr1-215853654-A-T.
Other names: short protein forms V4044E.
Identifiers: ClinVar variation 1716903 (VCV001716903.5), dbSNP rs564777507, ClinGen allele CA344816580.